The following is an entry in ClinVar:

NM_199420.4(POLQ):c.4574C>T (p.Ser1525Phe)

Gene: POLQ (DNA polymerase theta; minus strand). Cytogenetic location: 3q13.33.
Variant type: single nucleotide variant.
Coding change: c.4574C>T on transcript NM_199420.4 (MANE Select); coding-DNA position 4574, C replaced by T.
Protein change: p.Ser1525Phe; replaces serine 1525 with phenylalanine.
Molecular consequence: missense variant.
Genome position (GRCh38, 1-based): chr3:121,488,357, G>A on the plus strand (C>T on the coding strand, the complement: POLQ is on the minus strand). VCF-style: chr3-121488357-G-A. GRCh37 (hg19) VCF-style: chr3-121207204-G-A.
Other names: short protein forms S1525F.
Identifiers: ClinVar variation 1741584 (VCV001741584.3), dbSNP rs2546785778, ClinGen allele CA354094661.

ClinVar aggregate classification (germline): Uncertain significance (1 of 4 stars; one submission).

Submission:

Ambry Genetics
Classification: Uncertain significance. Last evaluated: 2024-10-23. Review status: criteria provided, single submitter. Criteria: Ambry Variant Classification Scheme 2023. Collection method: clinical testing. Allele origin: germline.
Comment: The p.S1525F variant (also known as c.4574C>T), located in coding exon 16 of the POLQ gene, results from a C to T substitution at nucleotide position 4574. The serine at codon 1525 is replaced by phenylalanine, an amino acid with highly dissimilar properties. This amino acid position is conserved. In addition, this alteration is predicted to be tolerated by in silico analysis. Since supporting evidence is limited at this time, the clinical significance of this alteration remains unclear.